The following is an entry in ClinVar:

ClinVar aggregate classification (germline): Conflicting classifications of pathogenicity. Review status: criteria provided, conflicting classifications (1 of 4 stars). 2 submissions from 2 submitters: Uncertain significance (1); Likely benign (1). Last evaluated 2024-04-22.

Conditions:
Luscan-Lumish syndrome. Identifiers: Orphanet 597738, MedGen C4085873, MONDO:0014791, OMIM 616831.
Inborn genetic diseases. Identifiers: MedGen C0950123, MeSH D030342.

Allele frequency attached by ClinVar (database versions not stated): ExAC 0.00002; gnomAD exomes 0.00002 and 0.00013; TOPMed 0.00003; gnomAD 0.00005.
gnomAD v4.1: 198 of 1,613,874 alleles (0.012%); highest among the groups gnomAD compares: Non-Finnish European, 0.017%; 1 homozygote.

Submissions (2):

Labcorp Genetics (formerly Invitae), Labcorp
Classification: Uncertain significance for Luscan-Lumish syndrome. Last evaluated: 2024-04-22. Review status: criteria provided, single submitter. Criteria: Invitae Variant Classification Sherloc (09022015). Collection method: clinical testing. Allele origin: germline.
Comment: This sequence change replaces isoleucine, which is neutral and non-polar, with threonine, which is neutral and polar, at codon 527 of the SETD2 protein (p.Ile527Thr). This variant is present in population databases (rs769791652, gnomAD 0.004%). This variant has not been reported in the literature in individuals affected with SETD2-related conditions. ClinVar contains an entry for this variant (Variation ID: 659893). Advanced modeling of protein sequence and biophysical properties (such as structural, functional, and spatial information, amino acid conservation, physicochemical variation, residue mobility, and thermodynamic stability) performed at Invitae indicates that this missense variant is not expected to disrupt SETD2 protein function with a negative predictive value of 80%. In summary, the available evidence is currently insufficient to determine the role of this variant in disease. Therefore, it has been classified as a Variant of Uncertain Significance.

Ambry Genetics
Classification: Likely benign for Inborn genetic diseases. Last evaluated: 2021-10-12. Review status: criteria provided, single submitter. Criteria: Ambry Variant Classification Scheme 2023. Collection method: clinical testing. Allele origin: germline.

NM_014159.7(SETD2):c.1580T>C (p.Ile527Thr)

Gene: SETD2 (SET domain containing 2, histone lysine methyltransferase; minus strand). Cytogenetic location: 3p21.31.
Variant type: single nucleotide variant.
Coding change: c.1580T>C on transcript NM_014159.7 (MANE Select); coding-DNA position 1580, T replaced by C.
Protein change: p.Ile527Thr; replaces isoleucine 527 with threonine.
Molecular consequence: missense variant. On other transcripts: non-coding transcript variant (1).
Genome position (GRCh38, 1-based): chr3:47,123,056, A>G on the plus strand (T>C on the coding strand, the complement: SETD2 is on the minus strand). VCF-style: chr3-47123056-A-G. GRCh37 (hg19) VCF-style: chr3-47164546-A-G.
Other names: c.1448T>C, p.Ile483Thr (NM_001349370.3); short protein forms I483T, I527T.
Identifiers: ClinVar variation 659893 (VCV000659893.8), dbSNP rs769791652, ClinGen allele CA2363668.